The following is an entry in ClinVar:

ClinVar aggregate classification (germline): Uncertain significance. Review status: criteria provided, multiple submitters, no conflicts (2 of 4 stars). 5 submissions from 5 submitters: Uncertain significance (5). Last evaluated 2025-11-13.

Conditions:
Hereditary cancer-predisposing syndrome. Also called: Neoplastic Syndromes, Hereditary; Hereditary Cancer Syndrome; Tumor predisposition; Hereditary neoplastic syndrome. Identifiers: Orphanet 140162, MedGen C0027672, MeSH D009386, MONDO:0015356.
Familial cancer of breast. Also called: BREAST CANCER, FAMILIAL; hereditary breast carcinoma; Hereditary breast cancer. Identifiers: Orphanet 227535, MedGen C0346153, MONDO:0016419, OMIM 114480. Disease mechanism: loss of function.
Ataxia-telangiectasia syndrome (AT). Also called: Ataxia-telangiectasia, complementation group D; AT, COMPLEMENTATION GROUP C; Ataxia-telangiectasia; ATAXIA-TELANGIECTASIA, COMPLEMENTATION GROUP A; ATAXIA-TELANGIECTASIA, FRESNO VARIANT; Ataxia-telangiectasia, complementation group E. Identifiers: Orphanet 100, MedGen C0004135, MONDO:0008840, OMIM 208900.

Allele frequency attached by ClinVar (database versions not stated): ExAC 0.00001; gnomAD exomes below 0.00001; TOPMed 0.00002; gnomAD 0.00001; ESP Exome Variant Server 0.00008.
gnomAD v4.1: 3 of 1,613,218 alleles (0.00019%); highest among the groups gnomAD compares: African/African-American, 0.0027%; no homozygotes.

Submissions (5):

Labcorp Genetics (formerly Invitae), Labcorp
Classification: Uncertain significance for Ataxia-telangiectasia syndrome. Last evaluated: 2025-11-13. Review status: criteria provided, single submitter. Criteria: Invitae Variant Classification Sherloc (09022015). Collection method: clinical testing. Allele origin: germline.
Comment: This sequence change replaces isoleucine, which is neutral and non-polar, with phenylalanine, which is neutral and non-polar, at codon 2511 of the ATM protein (p.Ile2511Phe). This variant is present in population databases (rs146069748, gnomAD 0.007%). This variant has not been reported in the literature in individuals affected with ATM-related conditions. ClinVar contains an entry for this variant (Variation ID: 142726). Invitae Evidence Modeling of protein sequence and biophysical properties (such as structural, functional, and spatial information, amino acid conservation, physicochemical variation, residue mobility, and thermodynamic stability) has been performed for this missense variant. However, the output from this modeling did not meet the statistical confidence thresholds required to predict the impact of this variant on ATM protein function. In summary, the available evidence is currently insufficient to determine the role of this variant in disease. Therefore, it has been classified as a Variant of Uncertain Significance.

GeneDx
Classification: Uncertain significance. Last evaluated: 2025-05-15. Review status: criteria provided, single submitter. Criteria: GeneDx Variant Classification Process June 2021. Collection method: clinical testing. Allele origin: germline. Affected: yes.
Comment: Not observed at significant frequency in large population cohorts (gnomAD); In silico analysis supports that this missense variant has a deleterious effect on protein structure/function; Has not been previously published as pathogenic or benign to our knowledge; This variant is associated with the following publications: (PMID: 23532176)

Ambry Genetics
Classification: Uncertain significance for Hereditary cancer-predisposing syndrome. Last evaluated: 2024-11-20. Review status: criteria provided, single submitter. Criteria: Ambry Variant Classification Scheme 2023. Collection method: clinical testing. Allele origin: germline.
Comment: The p.I2511F variant (also known as c.7531A>T), located in coding exon 50 of the ATM gene, results from an A to T substitution at nucleotide position 7531. The isoleucine at codon 2511 is replaced by phenylalanine, an amino acid with highly similar properties. This amino acid position is highly conserved in available vertebrate species. In addition, this alteration is predicted to be deleterious by in silico analysis. Based on the available evidence, the clinical significance of this variant remains unclear.

Color Diagnostics, LLC DBA Color Health
Classification: Uncertain significance for Hereditary cancer-predisposing syndrome. Last evaluated: 2024-03-06. Review status: criteria provided, single submitter. Criteria: ACMG Guidelines, 2015. Collection method: clinical testing. Allele origin: germline.
Comment: This missense variant replaces isoleucine with phenylalanine at codon 2511 of the ATM protein. Computational prediction suggests that this variant may have deleterious impact on protein structure and function (internally defined REVEL score threshold >= 0.7, PMID: 27666373). To our knowledge, functional studies have not been reported for this variant. This variant has not been reported in individuals affected with ATM-related disorders in the literature. This variant has been identified in 1/251002 chromosomes in the general population by the Genome Aggregation Database (gnomAD). The available evidence is insufficient to determine the role of this variant in disease conclusively. Therefore, this variant is classified as a Variant of Uncertain Significance.

Baylor Genetics
Classification: Uncertain significance for Familial cancer of breast. Last evaluated: 2023-09-22. Review status: criteria provided, single submitter. Criteria: ACMG Guidelines, 2015. Collection method: clinical testing. Allele origin: unknown.

NM_000051.4(ATM):c.7531A>T (p.Ile2511Phe)

Genes: ATM (ATM serine/threonine kinase; plus strand), C11orf65 (chromosome 11 open reading frame 65; minus strand). Cytogenetic location: 11q22.3.
Variant type: single nucleotide variant.
Coding change: c.7531A>T on transcript NM_000051.4 (MANE Select); coding-DNA position 7531, A replaced by T.
Protein change: p.Ile2511Phe; replaces isoleucine 2511 with phenylalanine.
Molecular consequence: missense variant. On other transcripts: non-coding transcript variant (1), intron variant (2).
Genome position (GRCh38, 1-based): chr11:108,331,459, A>T. VCF-style: chr11-108331459-A-T. GRCh37 (hg19) VCF-style: chr11-108202186-A-T.
Other names: c.7531A>T, p.Ile2511Phe (NM_001351834.2); c.641-22388T>A (NM_001330368.2); c.*38+3761T>A (NM_001351110.2); short protein forms I2511F.
Identifiers: ClinVar variation 142726 (VCV000142726.20), dbSNP rs146069748, ClinGen allele CA169255.
Genomic context (GRCh38, chr11:108,331,459, plus strand): 5'-TGAAATACCTTGTTTCTTAATTTTGTGTCTTTTTTTTAATGGTAGAGAGACGGAATGAAG[A>T]TTCCAACATATAAATTTTTGCCTCTTATGTACCAATTGGCTGCTAGAATGGGGACCAAGA-3'
Protein context (NP_000042.3, residues 2501-2521): NGMMKRDGMK[Ile2511Phe]PTYKFLPLMY